The following is an entry in ClinVar:

NM_001658.4(ARF1):c.296G>A (p.Arg99His)

Genes: ARF1 (ARF GTPase 1; plus strand), LOC126806039 (CDK7 strongly-dependent group 2 enhancer GRCh37_chr1:228284937-228286136; plus strand). Cytogenetic location: 1q42.13.
Variant type: single nucleotide variant.
Coding change: c.296G>A on transcript NM_001658.4 (MANE Select); coding-DNA position 296, G replaced by A.
Protein change: p.Arg99His; replaces arginine 99 with histidine.
Molecular consequence: missense variant.
Genome position (GRCh38, 1-based): chr1:228,097,627, G>A. VCF-style: chr1-228097627-G-A. GRCh37 (hg19) VCF-style: chr1-228285328-G-A.
Other names: c.296G>A, p.Arg99His (NM_001024226.2, NM_001024227.1, NM_001024228.2); c.296G>A (NM_001658.3); short protein forms R99H.
Identifiers: ClinVar variation 590334 (VCV000590334.13), dbSNP rs1558087712, ClinGen allele CA345078903.

ClinVar aggregate classification (germline): Pathogenic/Likely pathogenic. Review status: criteria provided, multiple submitters, no conflicts (2 of 4 stars). 9 submissions from 9 submitters: Pathogenic (4); Likely pathogenic (2). 3 of the submissions do not count toward it. Last evaluated 2026-03-18.

Conditions:
Periventricular nodular heterotopia 8. Identifiers: MedGen C4748602, MONDO:0032588, OMIM 618185.

Submissions (9):

Victorian Clinical Genetics Services, Murdoch Childrens Research Institute
Classification: Pathogenic for Periventricular nodular heterotopia 8. Last evaluated: 2026-03-18. Review status: criteria provided, single submitter. Criteria: ACMG Guidelines, 2015. Collection method: clinical testing. Allele origin: germline. Affected: yes.
Comment: This variant is classified as Pathogenic. Evidence in support of pathogenic classification: Variant is absent from gnomAD (both v2 and v3); This variant has strong previous evidence of pathogenicity in unrelated individuals. This variant has been reported multiple times as a recurring, de novo variant in individuals with brain malformation with delayed myelination, neurodevelopmental abnormalities and/or speech delay with microcephaly and seizures (ClinVar, PMIDs: 36345169, 28868155, 37185208); Another missense variant comparable to the one identified in this case has limited previous evidence for pathogenicity. The p.(Arg99Cys) variant has been reported in one individual with speech delay (PMID: 37185208); Missense variant in a region that is highly intolerant to missense variation (high constraint region in DECIPHER); Additional information: Variant is predicted to result in a missense amino acid change from arginine to histidine; This variant is heterozygous; This gene is associated with autosomal dominant disease; Missense variant with conflicting in silico predictions and uninformative conservation; The mechanism of disease for this gene is not clearly established. However, both gain of function and loss of function for missense variants have been described (PMIDs: 36345169, 37185208).

Greenwood Genetic Center Diagnostic Laboratories, Greenwood Genetic Center
Classification: Pathogenic for Periventricular nodular heterotopia 8. Last evaluated: 2024-10-09. Review status: criteria provided, single submitter. Criteria: ACMG Guidelines, 2015. Collection method: clinical testing. Allele origin: germline. Affected: yes.
Comment: PS3, PS4, PM2, PM6_Strong, PP2, PP3

Genomic Medicine Center of Excellence, King Faisal Specialist Hospital and Research Centre
Classification: Likely pathogenic for Periventricular nodular heterotopia 8. Last evaluated: 2024-09-22. Review status: criteria provided, single submitter. Criteria: ACMG Guidelines, 2015. Collection method: clinical testing. Allele origin: germline.

Groupe Hospitalier Pitie Salpetriere, Uf Genomique Du Developpement, Assistance Publique Hopitaux de Paris Sorbonne Université
Classification: Pathogenic for Periventricular nodular heterotopia 8. Last evaluated: 2022-03-12. Review status: criteria provided, single submitter. Criteria: ACMG Guidelines, 2015. Collection method: clinical testing. Allele origin: de novo. Affected: yes.
Comment: PS2, PS3, PS4, PM2, PP3, PP2

Revvity Omics, Revvity
Classification: Likely pathogenic for Periventricular nodular heterotopia 8. Last evaluated: 2021-12-10. Review status: criteria provided, single submitter. Criteria: ACMG Guidelines, 2015. Collection method: clinical testing. Allele origin: germline.

Imagene.me medical diagnostic laboratory, IMAGENE.ME SA
Classification: Pathogenic for Periventricular nodular heterotopia 8. Review status: criteria provided, single submitter. Criteria: IMAGENE.ME Variant Classification SOP 2022. Collection method: clinical testing. Allele origin: de novo. Affected: yes.
Comment: Classified according to the IMAGENE.ME variant classification SOP based on the ACMG guidelines as Pathogenic (P): PS2 + PM2 + PM1 + PS4_Supporting + PP2 + PP3 + PP4

OMIM
Classification: Pathogenic for PERIVENTRICULAR NODULAR HETEROTOPIA 8. Last evaluated: 2018-11-13. Review status: no assertion criteria provided. Collection method: literature only. Allele origin: germline. Not counted in ClinVar's aggregate classification.

Genome Diagnostics Laboratory, Amsterdam University Medical Center
Classification: Uncertain significance. Review status: no assertion criteria provided. Collection method: clinical testing. Allele origin: germline. Affected: yes. Study: VKGL Data-share Consensus. Not counted in ClinVar's aggregate classification.

Joint Genome Diagnostic Labs from Nijmegen and Maastricht, Radboudumc and MUMC+
Classification: Uncertain significance. Review status: no assertion criteria provided. Collection method: clinical testing. Allele origin: germline. Affected: yes. Study: VKGL Data-share Consensus. Not counted in ClinVar's aggregate classification.

Literature cited by the submitters: PubMed 36345169 (cited by Victorian Clinical Genetics Services, Murdoch Childrens Research Institute); PubMed 28868155 (cited by Victorian Clinical Genetics Services, Murdoch Childrens Research Institute and OMIM); PubMed 37185208 (cited by Victorian Clinical Genetics Services, Murdoch Childrens Research Institute).